The following is an entry in ClinVar:

NM_001080414.4(CCDC88C):c.1606A>T (p.Arg536Ter)

Gene: CCDC88C (coiled-coil and HOOK domain protein 88C; minus strand). Cytogenetic location: 14q32.11.
Variant type: single nucleotide variant.
Coding change: c.1606A>T on transcript NM_001080414.4 (MANE Select); coding-DNA position 1606, A replaced by T.
Protein change: p.Arg536Ter; replaces arginine 536 with a stop codon.
Molecular consequence: nonsense.
Genome position (GRCh38, 1-based): chr14:91,315,709, T>A on the plus strand (A>T on the coding strand, the complement: CCDC88C is on the minus strand). VCF-style: chr14-91315709-T-A. GRCh37 (hg19) VCF-style: chr14-91782053-T-A.
Other names: short protein forms R536*.
Identifiers: ClinVar variation 2799834 (VCV002799834.3), dbSNP rs773272089, ClinGen allele CA390634091.
Genomic context (GRCh38, chr14:91,315,709, plus strand): 5'-CCTGCCTGGCTTTGTCAGCCTTCAGGGTCTCCATGTCACTCTGCAGCTGCTCCTTCTCTC[T>A]GATCAGCTCCTCACTGAGGGTCTCCAGATCTTGGTTGCTCTGCTTTTCTCTCTCCAGCTG-3'

ClinVar aggregate classification (germline): Pathogenic (1 of 4 stars; one submission).

Submission:

Labcorp Genetics (formerly Invitae), Labcorp
Classification: Pathogenic. Last evaluated: 2023-06-29. Review status: criteria provided, single submitter. Criteria: Invitae Variant Classification Sherloc (09022015). Collection method: clinical testing. Allele origin: germline.
Comment: For these reasons, this variant has been classified as Pathogenic. This variant has not been reported in the literature in individuals affected with CCDC88C-related conditions. This variant is not present in population databases (gnomAD no frequency). This sequence change creates a premature translational stop signal (p.Arg536*) in the CCDC88C gene. It is expected to result in an absent or disrupted protein product. Loss-of-function variants in CCDC88C are known to be pathogenic (PMID: 23042809, 29225145).

Literature cited by the submitters: PubMed 23042809; PubMed 29225145.